The following is an entry in ClinVar:

ClinVar aggregate classification (germline): Uncertain significance (1 of 4 stars; one submission).

Conditions:
Optic atrophy 3 (OPA3). Also called: OPTIC ATROPHY 3, AUTOSOMAL DOMINANT; Optic atrophy, cataract, and neurologic disorder; Optic atrophy 3 with cataract. Identifiers: Orphanet 67036, MedGen C1833809, MONDO:0008133, OMIM 165300.
3-Methylglutaconic aciduria type 3 (MGCA3). Also called: OPA3, AUTOSOMAL RECESSIVE; OPTIC ATROPHY 3, AUTOSOMAL RECESSIVE; Costeff Syndrome; OPA3-Related 3-Methylglutaconic Aciduria. Identifiers: Orphanet 67047, MedGen C0574084, MONDO:0009787, OMIM 258501.

gnomAD v4.1: 1 of 1,614,220 alleles (0.000062%); highest among the groups gnomAD compares: Non-Finnish European, 0.000085%; no homozygotes.

Submission:

Labcorp Genetics (formerly Invitae), Labcorp
Classification: Uncertain significance for 3-Methylglutaconic aciduria type 3; Optic atrophy 3. Last evaluated: 2025-06-10. Review status: criteria provided, single submitter. Criteria: Invitae Variant Classification Sherloc (09022015). Collection method: clinical testing. Allele origin: germline.
Comment: This sequence change replaces proline, which is neutral and non-polar, with serine, which is neutral and polar, at codon 45 of the OPA3 protein (p.Pro45Ser). This variant is present in population databases (no rsID available, gnomAD 0.0009%). This variant has not been reported in the literature in individuals affected with OPA3-related conditions. An algorithm developed to predict the effect of missense changes on protein structure and function (PolyPhen-2) suggests that this variant is likely to be disruptive. In summary, the available evidence is currently insufficient to determine the role of this variant in disease. Therefore, it has been classified as a Variant of Uncertain Significance.

NM_025136.4(OPA3):c.133C>T (p.Pro45Ser)

Genes: OPA3 (outer mitochondrial membrane lipid metabolism regulator OPA3; minus strand), OPA3-RTN2 (OPA3-RTN2 readthrough; minus strand). Cytogenetic location: 19q13.32.
Variant type: single nucleotide variant.
Coding change: c.133C>T on transcript NM_025136.4 (MANE Select); coding-DNA position 133, C replaced by T.
Protein change: p.Pro45Ser; replaces proline 45 with serine.
Molecular consequence: missense variant.
Genome position (GRCh38, 1-based): chr19:45,584,632, G>A on the plus strand (C>T on the coding strand, the complement: OPA3 is on the minus strand). VCF-style: chr19-45584632-G-A. GRCh37 (hg19) VCF-style: chr19-46087890-G-A.
Other names: c.133C>T, p.Pro45Ser (NM_001017989.3); short protein forms P45S.
Identifiers: ClinVar variation 4791883 (VCV004791883.1).